The following is an entry in ClinVar:

ClinVar aggregate classification (germline): Benign/Likely benign. Review status: criteria provided, multiple submitters, no conflicts (2 of 4 stars). 15 submissions from 15 submitters: Benign (10); Likely benign (2). 3 of the submissions do not count toward it. Last evaluated 2026-02-04.

Conditions:
X-linked Alport syndrome (ATS1). Also called: NEPHROPATHY AND DEAFNESS, X-LINKED; COL4A5-Related Nephropathy. Identifiers: Orphanet 63, Orphanet 88917, MedGen C4746986, MONDO:0010520, OMIM 301050.
Focal segmental glomerulosclerosis (FSGS). Also called: Glomerulosclerosis, focal; Focal sclerosis with hyalinosis. Identifiers: MedGen C0017668, MONDO:0100313, HP:0000097. Disease mechanism: loss of function.

Allele frequency attached by ClinVar (database versions not stated): ExAC 0.05118; gnomAD 0.11020 and 0.10492; TOPMed 0.12048; gnomAD exomes 0.01497 and 0.04469; ESP Exome Variant Server 0.12157; 1000 Genomes Project 0.14940; 1000 Genomes Project 30x 0.15858.
gnomAD v4.1: 29,165 of 1,206,143 alleles (2.4%); highest among the groups gnomAD compares: African/African-American, 34%; 2,714 homozygotes.

Submissions (19):

Labcorp Genetics (formerly Invitae), Labcorp
Classification: Benign. Last evaluated: 2026-02-04. Review status: criteria provided, single submitter. Criteria: Invitae Variant Classification Sherloc (09022015). Collection method: clinical testing. Allele origin: germline.

Blueprint Genetics
Classification: Benign. Last evaluated: 2024-11-28. Review status: criteria provided, single submitter. Criteria: ACMG Guidelines, 2015. Collection method: clinical testing. Allele origin: germline.

ARUP Laboratories, Molecular Genetics and Genomics, ARUP Laboratories
Classification: Benign for X-linked Alport syndrome. Last evaluated: 2023-11-03. Review status: criteria provided, single submitter. Criteria: ARUP Molecular Germline Variant Investigation Process 2024. Collection method: clinical testing. Allele origin: germline.

Mayo Clinic Laboratories, Mayo Clinic
Classification: Benign. Last evaluated: 2023-03-30. Review status: criteria provided, single submitter. Criteria: ACMG Guidelines, 2015. Collection method: clinical testing. Allele origin: germline. Observed: 35 variant alleles.
Comment: BA1, BS2, BP4

Genome Diagnostics Laboratory, The Hospital for Sick Children
Classification: Benign for Focal segmental glomerulosclerosis. Last evaluated: 2022-08-16. Review status: criteria provided, single submitter. Criteria: ACMG Guidelines, 2015. Collection method: clinical testing. Allele origin: germline.

Women's Health and Genetics/Laboratory Corporation of America, LabCorp
Classification: Likely benign. Last evaluated: 2021-12-10. Review status: criteria provided, single submitter. Criteria: LabCorp Variant Classification Summary - May 2015. Collection method: clinical testing. Allele origin: germline.

Fulgent Genetics
Classification: Benign for X-linked Alport syndrome. Last evaluated: 2021-10-21. Review status: criteria provided, single submitter. Criteria: ACMG Guidelines, 2015. Collection method: clinical testing. Allele origin: unknown.

Laboratory for Molecular Medicine, Mass General Brigham Personalized Medicine
Classification: Benign. Last evaluated: 2017-11-22. Review status: criteria provided, single submitter. Criteria: LMM Criteria. Collection method: clinical testing. Allele origin: germline. Observed: 20 variant alleles.
Comment: p.Ile444Ser in exon 20 of COL4A5: This variant is not expected to have clinical significance because it has been identified in 34% (6123/17969) of African chrom osomes by the Genome Aggregation Database (gnomAD. org; dbSNP rs2272946). ACMG/AMP Criteria applied: BA1.

Eurofins Ntd Llc (ga)
Classification: Benign. Last evaluated: 2016-04-07. Review status: criteria provided, single submitter. Criteria: EGL Classification Definitions 2015. Collection method: clinical testing. Allele origin: germline. Observed: 2 variant alleles, 1 homozygote, 1 hemizygote.

GeneDx
Classification: Benign. Last evaluated: 2015-03-03. Review status: criteria provided, single submitter. Criteria: GeneDx Variant Classification Process June 2021. Collection method: clinical testing. Allele origin: germline. Affected: yes.
Comment: This variant is associated with the following publications: (PMID: 8648925, 27884173, 11223851, 10561141, 8940267, 30245029)

Breakthrough Genomics
Classification: Likely benign. Review status: criteria provided, single submitter. Criteria: ACMG Guidelines, 2015. Collection method: not provided. Allele origin: germline. Inheritance: X-linked inheritance. Affected: yes.

PreventionGenetics, part of Exact Sciences
Classification: Benign. Review status: criteria provided, single submitter. Criteria: ACMG Guidelines, 2015. Collection method: clinical testing. Allele origin: germline.

Natera, Inc.
Classification: Benign for X-linked Alport syndrome. Last evaluated: 2020-09-16. Review status: no assertion criteria provided. Collection method: clinical testing. Allele origin: germline. Not counted in ClinVar's aggregate classification.

Dr. Peter K. Rogan Lab, Western University
No classification provided (evidence only). Condition: Acute myeloid leukemia. Review status: no classification provided. Collection method: in vitro. Allele origin: not applicable. Functional consequence: retained intron. Not counted in ClinVar's aggregate classification.

Dr. Peter K. Rogan Lab, Western University
No classification provided (evidence only). Condition: Sarcoma. Review status: no classification provided. Collection method: in vitro. Allele origin: not applicable. Functional consequence: retained intron. Not counted in ClinVar's aggregate classification.

Dr. Peter K. Rogan Lab, Western University
No classification provided (evidence only). Condition: Sarcoma. Review status: no classification provided. Collection method: in vitro. Allele origin: not applicable. Functional consequence: retained intron. Not counted in ClinVar's aggregate classification.

Dr. Peter K. Rogan Lab, Western University
No classification provided (evidence only). Condition: Thymoma. Review status: no classification provided. Collection method: in vitro. Allele origin: not applicable. Functional consequence: retained intron. Not counted in ClinVar's aggregate classification.

Genome Diagnostics Laboratory, University Medical Center Utrecht
Classification: Benign. Review status: no assertion criteria provided. Collection method: clinical testing. Allele origin: germline. Affected: yes. Study: VKGL Data-share Consensus. Not counted in ClinVar's aggregate classification.

Joint Genome Diagnostic Labs from Nijmegen and Maastricht, Radboudumc and MUMC+
Classification: Benign. Review status: no assertion criteria provided. Collection method: clinical testing. Allele origin: germline. Affected: yes. Study: VKGL Data-share Consensus. Not counted in ClinVar's aggregate classification.

Literature cited by the submitters: PubMed 10561141 (cited by Laboratory for Molecular Medicine, Mass General Brigham Personalized Medicine); PubMed 14993485 (cited by Laboratory for Molecular Medicine, Mass General Brigham Personalized Medicine); PubMed 8648925 (cited by Laboratory for Molecular Medicine, Mass General Brigham Personalized Medicine); PubMed 15780079 (cited by Laboratory for Molecular Medicine, Mass General Brigham Personalized Medicine); PubMed 21505094 (cited by Laboratory for Molecular Medicine, Mass General Brigham Personalized Medicine); PubMed 27281700 (cited by Laboratory for Molecular Medicine, Mass General Brigham Personalized Medicine).

NM_033380.3(COL4A5):c.1331T>G (p.Ile444Ser)

Gene: COL4A5 (collagen type IV alpha 5 chain; plus strand). Cytogenetic location: Xq22.3.
Variant type: single nucleotide variant.
Coding change: c.1331T>G on transcript NM_033380.3 (MANE Select); coding-DNA position 1331, T replaced by G.
Protein change: p.Ile444Ser; replaces isoleucine 444 with serine.
Molecular consequence: missense variant.
Genome position (GRCh38, 1-based): chrX:108,591,223, T>G. VCF-style: chrX-108591223-T-G. GRCh37 (hg19) VCF-style: chrX-107834453-T-G.
Other names: c.1331T>G (NM_033380.1); c.1331T>G, p.Ile444Ser (NM_000495.5); short protein forms I444S.
Identifiers: ClinVar variation 24398 (VCV000024398.38), dbSNP rs2272946, ClinGen allele CA258459.
Genomic context (GRCh38, chrX:108,591,223, plus strand): 5'-TTGACGGACAGCCTGGGGCTCCTGGGCTTCCAGGGCCTCCTGGCCCTGCTGGCCCTCACA[T>G]TCCTCCTAGTAAGCTATATTTTTCTCCTATTAAGTTCTATTTTTGTTTTTGTTTATTTTG-3'
Protein context (NP_203699.1, residues 434-454): PGPPGPAGPH[Ile444Ser]PPSDEICEPG